The following is an entry in ClinVar:

ClinVar aggregate classification (germline): Likely benign. Review status: criteria provided, single submitter (1 of 4 stars). 2 submissions from 2 submitters: Likely benign (1). 1 of the submissions does not count toward it. Last evaluated 2024-09-01.

Conditions:
SIK3-related disorder. Also called: SIK3-related condition.

Allele frequency attached by ClinVar (database versions not stated): 1000 Genomes Project 30x 0.00141; ExAC 0.16667.
gnomAD v4.1: 5,066 of 1,171,096 alleles (0.43%); highest among the groups gnomAD compares: Non-Finnish European, 0.47%; 12 homozygotes.

Submissions (2):

CeGaT Center for Human Genetics Tuebingen
Classification: Likely benign. Last evaluated: 2024-09-01. Review status: criteria provided, single submitter. Criteria: CeGaT Center For Human Genetics Tuebingen Variant Classification Criteria Version 2. Collection method: clinical testing. Allele origin: germline. Affected: yes. Observed: 2 variant alleles.
Comment: SIK3: BP4, BP7, BS2

PreventionGenetics, part of Exact Sciences
Classification: Benign for SIK3-related condition. Last evaluated: 2019-06-27. Review status: no assertion criteria provided. Collection method: clinical testing. Allele origin: germline. Not counted in ClinVar's aggregate classification.
Comment: This variant is classified as benign based on ACMG/AMP sequence variant interpretation guidelines (Richards et al. 2015 PMID: 25741868, with internal and published modifications).

NM_001366686.3(SIK3):c.39C>T (p.Ala13=)

Gene: SIK3 (SIK family kinase 3; minus strand). Cytogenetic location: 11q23.3.
Variant type: single nucleotide variant.
Coding change: c.39C>T on transcript NM_001366686.3 (MANE Select); coding-DNA position 39, C replaced by T.
Protein change: p.Ala13=; no amino-acid change (alanine 13 retained).
Molecular consequence: synonymous variant. On other transcripts: 5 prime UTR variant (1).
Genome position (GRCh38, 1-based): chr11:117,098,377, G>A on the plus strand (C>T on the coding strand, the complement: SIK3 is on the minus strand). VCF-style: chr11-117098377-G-A. GRCh37 (hg19) VCF-style: chr11-116969093-G-A.
Other names: c.-563C>T (NM_001281748.3); c.39C>T, p.Ala13= (NM_001281749.3, NM_001366687.1, NM_025164.6); c.39C>T (NM_025164.4).
Identifiers: ClinVar variation 2642403 (VCV002642403.25), dbSNP rs770851829, ClinGen allele CA6291029.
Genomic context (GRCh38, chr11:117,098,377, plus strand): 5'-CCCCGGCGCGGGCGGAGGCAGCAGGCGGCCCGCGGGCCCGGCTCCCCCAGTCCCGGCCCC[G>A]GCAGCCCCGCCAGCTCCGCTCGCCGCCGCCGCCGCCATCTTGTTGTGCAGTGAAACCTCC-3'
Protein context (NP_001353615.1, residues 3-23): AAAASGAGGA[Ala13=]GAGTGGAGPA